The following is an entry in ClinVar:

ClinVar aggregate classification (germline): Uncertain significance. Review status: criteria provided, multiple submitters, no conflicts (2 of 4 stars). 5 submissions from 5 submitters: Uncertain significance (5). Last evaluated 2025-09-15.

Conditions:
Catecholaminergic polymorphic ventricular tachycardia 1. Also called: VENTRICULAR TACHYCARDIA, STRESS-INDUCED POLYMORPHIC 1; VENTRICULAR TACHYCARDIA, CATECHOLAMINERGIC POLYMORPHIC, 1, WITH OR WITHOUT ATRIAL DYSFUNCTION AND/OR DILATED CARDIOMYOPATHY; RYR2-Related Catecholaminergic Polymorphic Ventricular Tachycardia. Identifiers: Orphanet 3286, MedGen C1631597, MONDO:0011484, OMIM 604772.
Cardiovascular phenotype. Identifiers: MedGen CN230736.

Allele frequency attached by ClinVar (database versions not stated): gnomAD exomes below 0.00001; ESP Exome Variant Server 0.00008.
gnomAD v4.1: 1 of 1,613,878 alleles (0.000062%); highest among the groups gnomAD compares: Non-Finnish European, 0.000085%; no homozygotes.

Submissions (5):

Ambry Genetics
Classification: Uncertain significance for Cardiovascular phenotype. Last evaluated: 2025-09-15. Review status: criteria provided, single submitter. Criteria: Ambry Variant Classification Scheme 2023. Collection method: clinical testing. Allele origin: germline.
Comment: The p.R2198H variant (also known as c.6593G>A), located in coding exon 43 of the RYR2 gene, results from a G to A substitution at nucleotide position 6593. The arginine at codon 2198 is replaced by histidine, an amino acid with highly similar properties. This variant was reported in individual(s) with features consistent with arrhythmia and aortopathy (Janin A et al. Mol Diagn Ther, 2021 May;25:373-385; Na J et al. BMC Pediatr, 2023 Oct;23:546; Stava TT et al. Clin Genet, 2024 Nov;106:585-602). This amino acid position is highly conserved in available vertebrate species. In addition, this alteration is predicted to be deleterious by in silico analysis. Based on the available evidence, the clinical significance of this variant remains unclear.

Labcorp Genetics (formerly Invitae), Labcorp
Classification: Uncertain significance for Catecholaminergic polymorphic ventricular tachycardia 1. Last evaluated: 2025-02-12. Review status: criteria provided, single submitter. Criteria: Invitae Variant Classification Sherloc (09022015). Collection method: clinical testing. Allele origin: germline.
Comment: This sequence change replaces arginine, which is basic and polar, with histidine, which is basic and polar, at codon 2198 of the RYR2 protein (p.Arg2198His). This variant is not present in population databases (gnomAD no frequency). This missense change has been observed in individual(s) with clinical features of RYR2-related conditions (internal data). ClinVar contains an entry for this variant (Variation ID: 463620). Invitae Evidence Modeling of protein sequence and biophysical properties (such as structural, functional, and spatial information, amino acid conservation, physicochemical variation, residue mobility, and thermodynamic stability) indicates that this missense variant is expected to disrupt RYR2 protein function with a positive predictive value of 95%. In summary, the available evidence is currently insufficient to determine the role of this variant in disease. Therefore, it has been classified as a Variant of Uncertain Significance.

CeGaT Center for Human Genetics Tuebingen
Classification: Uncertain significance. Last evaluated: 2024-09-01. Review status: criteria provided, single submitter. Criteria: CeGaT Center For Human Genetics Tuebingen Variant Classification Criteria Version 2. Collection method: clinical testing. Allele origin: germline. Affected: yes. Observed: 1 variant allele.
Comment: RYR2: PM2, PP3

Blueprint Genetics
Classification: Uncertain significance. Last evaluated: 2024-07-05. Review status: criteria provided, single submitter. Criteria: ACMG Guidelines, 2015. Collection method: clinical testing. Allele origin: germline.

GeneDx
Classification: Uncertain significance. Last evaluated: 2023-11-03. Review status: criteria provided, single submitter. Criteria: GeneDx Variant Classification Process June 2021. Collection method: clinical testing. Allele origin: germline. Affected: yes.
Comment: Has not been previously published as pathogenic or benign to our knowledge; Not observed at significant frequency in large population cohorts (gnomAD); In silico analysis supports that this missense variant has a deleterious effect on protein structure/function; Not located in one of the three hot-spot regions of the RYR2 gene, where the majority of pathogenic missense variants occur (PMID: 19926015); This variant is associated with the following publications: (PMID: 19926015)

Literature cited by the submitters: PubMed 33954932 (cited by Ambry Genetics); PubMed 37907926 (cited by Ambry Genetics); PubMed 39073097 (cited by Ambry Genetics).

NM_001035.3(RYR2):c.6593G>A (p.Arg2198His)

Gene: RYR2 (ryanodine receptor 2; plus strand). Cytogenetic location: 1q43.
Variant type: single nucleotide variant.
Coding change: c.6593G>A on transcript NM_001035.3 (MANE Select); coding-DNA position 6593, G replaced by A.
Protein change: p.Arg2198His; replaces arginine 2198 with histidine.
Molecular consequence: missense variant.
Genome position (GRCh38, 1-based): chr1:237,633,615, G>A. VCF-style: chr1-237633615-G-A. GRCh37 (hg19) VCF-style: chr1-237796915-G-A.
Other names: c.6593G>A, p.Arg2198His (LRG_402t1); short protein forms R2198H.
Identifiers: ClinVar variation 463620 (VCV000463620.29), dbSNP rs375935636, ClinGen allele CA39784244.